The following is an entry in ClinVar:

ClinVar aggregate classification (germline): Benign/Likely benign. Review status: criteria provided, multiple submitters, no conflicts (2 of 4 stars). 2 submissions from 2 submitters: Benign (1); Likely benign (1). Last evaluated 2026-08-13.

Conditions:
SETD5-related disorder. Also called: SETD5-related disorders; SETD5-related condition.

Allele frequency attached by ClinVar (database versions not stated): gnomAD exomes 0.00004; ExAC 0.00006; ESP Exome Variant Server 0.00008; gnomAD 0.00029 and 0.00030; TOPMed 0.00031; 1000 Genomes Project 30x 0.00047; 1000 Genomes Project 0.00060.
gnomAD v4.1: 80 of 1,613,980 alleles (0.005%); highest among the groups gnomAD compares: African/African-American, 0.099%; no homozygotes.

Submissions (2):

PreventionGenetics, part of Exact Sciences
Classification: Likely benign for SETD5-related condition. Last evaluated: 2026-08-13. Review status: criteria provided, single submitter. Criteria: ACMG Guidelines, 2015. Collection method: clinical testing. Allele origin: germline.
Comment: This variant is classified as likely benign based on ACMG/AMP sequence variant interpretation guidelines (Richards et al. 2015 PMID: 25741868, with internal and published modifications).

Labcorp Genetics (formerly Invitae), Labcorp
Classification: Benign. Last evaluated: 2025-07-08. Review status: criteria provided, single submitter. Criteria: Invitae Variant Classification Sherloc (09022015). Collection method: clinical testing. Allele origin: germline.

NM_001080517.3(SETD5):c.2148G>A (p.Glu716=)

Gene: SETD5 (SET domain containing 5; plus strand). Cytogenetic location: 3p25.3.
Variant type: single nucleotide variant.
Coding change: c.2148G>A on transcript NM_001080517.3 (MANE Select); coding-DNA position 2148, G replaced by A.
Protein change: p.Glu716=; no amino-acid change (glutamic acid 716 retained).
Molecular consequence: synonymous variant.
Genome position (GRCh38, 1-based): chr3:9,448,432, G>A. VCF-style: chr3-9448432-G-A. GRCh37 (hg19) VCF-style: chr3-9490116-G-A.
Other names: c.1854G>A, p.Glu618= (NM_001292043.2, NM_001349451.2); c.2148G>A (NM_001080517.2).
Identifiers: ClinVar variation 1552952 (VCV001552952.9), dbSNP rs192681161, ClinGen allele CA2239377.